The following is an entry in ClinVar:

ClinVar aggregate classification (germline): Uncertain significance. Review status: criteria provided, multiple submitters, no conflicts (2 of 4 stars). 2 submissions from 2 submitters: Uncertain significance (2). Last evaluated 2025-03-21.

Conditions:
Spastic paraplegia. Identifiers: MedGen C0037772, HP:0001258.

Allele frequency attached by ClinVar (database versions not stated): gnomAD exomes below 0.00001.
gnomAD v4.1: 1 of 1,198,923 alleles (0.000083%); highest among the groups gnomAD compares: Admixed American, 0.0022%; no homozygotes.

Submissions (2):

GeneDx
Classification: Uncertain significance. Last evaluated: 2025-03-21. Review status: criteria provided, single submitter. Criteria: GeneDx Variant Classification Process June 2021. Collection method: clinical testing. Allele origin: germline. Affected: yes.
Comment: Not observed at significant frequency in large population cohorts (gnomAD); In silico analysis indicates that this missense variant does not alter protein structure/function; In silico analysis is inconclusive as to whether the variant alters gene splicing. In the absence of RNA/functional studies, the actual effect of this sequence change is unknown.; Has not been previously published as pathogenic or benign to our knowledge

Labcorp Genetics (formerly Invitae), Labcorp
Classification: Uncertain significance for Spastic paraplegia. Last evaluated: 2024-09-21. Review status: criteria provided, single submitter. Criteria: Invitae Variant Classification Sherloc (09022015). Collection method: clinical testing. Allele origin: germline.
Comment: This sequence change replaces glutamine, which is neutral and polar, with arginine, which is basic and polar, at codon 423 of the L1CAM protein (p.Gln423Arg). This variant is not present in population databases (gnomAD no frequency). This variant has not been reported in the literature in individuals affected with L1CAM-related conditions. An algorithm developed to predict the effect of missense changes on protein structure and function (PolyPhen-2) suggests that this variant is likely to be tolerated. In summary, the available evidence is currently insufficient to determine the role of this variant in disease. Therefore, it has been classified as a Variant of Uncertain Significance.

NM_001278116.2(L1CAM):c.1268A>G (p.Gln423Arg)

Gene: L1CAM (L1 cell adhesion molecule; minus strand). Cytogenetic location: Xq28.
Variant type: single nucleotide variant.
Coding change: c.1268A>G on transcript NM_001278116.2 (MANE Select); coding-DNA position 1268, A replaced by G.
Protein change: p.Gln423Arg; replaces glutamine 423 with arginine.
Molecular consequence: missense variant.
Genome position (GRCh38, 1-based): chrX:153,868,952, T>C on the plus strand (A>G on the coding strand, the complement: L1CAM is on the minus strand). VCF-style: chrX-153868952-T-C. GRCh37 (hg19) VCF-style: chrX-153134407-T-C.
Other names: c.1268A>G, p.Gln423Arg (NM_000425.5, NM_024003.3); c.1253A>G, p.Gln418Arg (NM_001143963.2); c.1268A>G (NM_000425.3); short protein forms Q423R, Q418R.
Identifiers: ClinVar variation 2725780 (VCV002725780.4), dbSNP rs1569544779, ClinGen allele CA415128774.